The following is an entry in ClinVar:

ClinVar aggregate classification (germline): Likely benign (1 of 4 stars; one submission).

Allele frequency attached by ClinVar (database versions not stated): 1000 Genomes Project 30x 0.00016; 1000 Genomes Project 0.00020; ESP Exome Variant Server 0.00023; ExAC 0.00026; gnomAD 0.00038; TOPMed 0.00039.
gnomAD v4.1: 1,488 of 1,613,034 alleles (0.092%); highest among the groups gnomAD compares: Non-Finnish European, 0.12%; 1 homozygote.

Submission:

CeGaT Center for Human Genetics Tuebingen
Classification: Likely benign. Last evaluated: 2022-12-01. Review status: criteria provided, single submitter. Criteria: CeGaT Center For Human Genetics Tuebingen Variant Classification Criteria Version 2. Collection method: clinical testing. Allele origin: germline. Affected: yes. Observed: 1 variant allele.
Comment: DIDO1: BP4, BP7

NM_001193369.2(DIDO1):c.894C>G (p.Gly298=)

Gene: DIDO1 (death inducer-obliterator 1; minus strand). Cytogenetic location: 20q13.33.
Variant type: single nucleotide variant.
Coding change: c.894C>G on transcript NM_001193369.2 (MANE Select); coding-DNA position 894, C replaced by G.
Protein change: p.Gly298=; no amino-acid change (glycine 298 retained).
Molecular consequence: synonymous variant.
Genome position (GRCh38, 1-based): chr20:62,909,966, G>C on the plus strand (C>G on the coding strand, the complement: DIDO1 is on the minus strand). VCF-style: chr20-62909966-G-C. GRCh37 (hg19) VCF-style: chr20-61541318-G-C.
Other names: c.894C>G, p.Gly298= (NM_001193370.2, NM_022105.5, NM_033081.3 and 2 more transcripts).
Identifiers: ClinVar variation 2652516 (VCV002652516.24), dbSNP rs376585082, ClinGen allele CA9952285.
Genomic context (GRCh38, chr20:62,909,966, plus strand): 5'-GTTTGGGCAGATATAGTCTTCCCCATTCCTTTCCAAAAGCCTCCCTCGAGCCTCAGAAAT[G>C]CCCACACAATCGCCATGAAACCATTCTTCACAGCGGTCACAGCAAATCATAAACCTGAAA-3'
Protein context (NP_001180298.1, residues 288-308): CEEWFHGDCV[Gly298=]ISEARGRLLE